The following is an entry in ClinVar:

ClinVar aggregate classification (germline): Likely benign. Review status: criteria provided, single submitter (1 of 4 stars). 2 submissions from 2 submitters: Likely benign (1). 1 of the submissions does not count toward it. Last evaluated 2025-01-24.

Conditions:
LAMA3-related disorder. Also called: LAMA3-related disorders; LAMA3-related condition.

Allele frequency attached by ClinVar (database versions not stated): gnomAD exomes below 0.00001; TOPMed below 0.00001; ExAC 0.00001.

Submissions (2):

Labcorp Genetics (formerly Invitae), Labcorp
Classification: Likely benign. Last evaluated: 2025-01-24. Review status: criteria provided, single submitter. Criteria: Invitae Variant Classification Sherloc (09022015). Collection method: clinical testing. Allele origin: germline.

PreventionGenetics, part of Exact Sciences
Classification: Likely benign for LAMA3-related condition. Last evaluated: 2019-03-18. Review status: no assertion criteria provided. Collection method: clinical testing. Allele origin: germline. Not counted in ClinVar's aggregate classification.
Comment: This variant is classified as likely benign based on ACMG/AMP sequence variant interpretation guidelines (Richards et al. 2015 PMID: 25741868, with internal and published modifications).

NM_198129.4(LAMA3):c.7159-10del

Gene: LAMA3 (laminin subunit alpha 3; plus strand). Cytogenetic location: 18q11.2.
Variant type: Deletion.
Coding change: c.7159-10del on transcript NM_198129.4 (MANE Select); 10 bases into the intron before coding-DNA position 7159, one base deleted (C; older notation c.7159-10delC).
Molecular consequence: intron variant.
Genome position (GRCh38, 1-based): chr18:23,912,701, C deleted. VCF-style (leftmost placement, unchanged base first): chr18-23912700-AC-A. GRCh37 (hg19) VCF-style: chr18-21492664-AC-A.
Other names: c.6991-10del (NM_001127717.4); c.2332-10del (NM_000227.6); c.2164-10del (NM_001127718.4); c.2332-10delC (NM_000227.4).
Identifiers: ClinVar variation 1115501 (VCV001115501.11), dbSNP rs779216497, ClinGen allele CA8916572.